The following continues an entry in ClinVar:

NM_000038.6(APC):c.3927_3931del (p.Glu1309fs)

Gene: APC. ClinVar aggregate classification (germline): Pathogenic. Pathogenic (1). ClinVar aggregate classification (oncogenicity): Oncogenic.

Submissions 35 to 51 of 51:

Laboratory for Molecular Medicine, Mass General Brigham Personalized Medicine
Classification: Pathogenic for Familial multiple polyposis syndrome. Last evaluated: 2012-01-09. Review status: criteria provided, single submitter. Criteria: LMM Criteria. Collection method: clinical testing. Allele origin: germline. Inheritance: Autosomal dominant inheritance. Observed: 2 variant alleles. Not counted in ClinVar's aggregate classification.
Comment: The p.Glu1309fs variant in APC has been seen in over 100 individuals with famili al adenomatous polyposis (FAP) and is the most common pathogenic APC variant in patients with FAP (Aretz 2004, Friedl 2005, Plawski 2008, GeneReviews). It has b een shown to occur de novo and to segregate with disease in multiple families (A retz 2004). This variant has also been reported by other clinical laboratories i n ClinVar (Variation ID# 816). In vitro functional studies provide some evidence that the p.Glu1309fs variant may impact protein function (Dihlmann 2009). This variant has been identified in 2/111348 European chromosomes by the Genome Aggre gation Database (gnomAD; dbSNP rs80338757). Th is variant is predicted to cause a frameshift, which alters the protein?s amino acid sequence beginning at position 1309 and leads to a premature termination co don 4 amino acids downstream. This termination codon occurs within the last exon and is more likely to escape nonsense mediated decay (NMD) and result in a trun cated protein. Downstream nonsense and frameshift variants at the 3' end of the gene have been reported in individuals with APC and lead to a non-functional pro tein. In summary, this variant meets criteria to be classified as pathogenic for FAP in an autosomal dominant manner based upon presence in multiple affected in dividuals, segregation studies, low frequency in the general population and de n ovo occurrence. ACMG/AMP Criteria applied (Richards 2015): PS2_VeryStrong; PS4; PM2; PM4; PP1; PS3_Supporting.

Juno Genomics, Hangzhou Juno Genomics, Inc
Classification: Pathogenic for Colorectal cancer; Gastric cancer; Familial adenomatous polyposis 1; Desmoid disease, hereditary; Gastric adenocarcinoma and proximal polyposis of the stomach; Hepatocellular carcinoma. Review status: criteria provided, single submitter. Criteria: ACMG Guidelines, 2015. Collection method: clinical testing. Allele origin: germline. Affected: yes. Not counted in ClinVar's aggregate classification.
Comment: Null variant in a gene where loss of function (LOF) is a known mechanism of disease.;The prevalence of the variant in affected individuals is significantly increased compared to the prevalence in controls.;Assumed de novo, but without confirmation of paternity and maternity.

Neuberg Centre For Genomic Medicine, NCGM
Classification: Pathogenic for Familial adenomatous polyposis 1. Review status: criteria provided, single submitter. Criteria: ACMG Guidelines, 2015. Collection method: clinical testing. Allele origin: germline. Inheritance: Autosomal dominant inheritance. Affected: yes. Not counted in ClinVar's aggregate classification.
Comment: The frameshift c.3927_3931del (p.Glu1309AspfsTer4) variant has been observed in individuals with familial adenomatous polyposis (FAP), and is one of the most frequently observed APC pathogenic variant in patients with FAP (Miyoshi Y et al, Kerr SE et al). This p.Glu1309AspfsTer4 variant has allele frequency of 0.0007967% in the gnomAD and novel (not in any individuals) in 1000 genome database. This variant has been reported to the ClinVar database as Pathogenic. This variant causes a frameshift starting with codon Glutamic Acid 1309, changes this amino acid to Aspartic Acid residue, and creates a premature Stop codon at position 4 of the new reading frame, denoted p.Glu1309AspfsTer4. This variant is predicted to cause loss of normal protein function through protein truncation. Loss of function variants have been previously reported to be disease causing. For these reasons, this variant has been classified as Pathogenic.

University of Science and Technology Houari Boumediene, Laboratory of Molecular and Cellular Biology (LBCM)
Classification: Pathogenic for Familial adenomatous polyposis 1. Review status: criteria provided, single submitter. Criteria: ACMG Guidelines, 2015. Collection method: clinical testing. Allele origin: de novo, germline. Inheritance: Autosomal dominant inheritance. Affected: yes. Observed: 4 heterozygotes. Not counted in ClinVar's aggregate classification.

Cancer Diagnostics Division, Gene Solutions
Classification: Likely pathogenic for Familial adenomatous polyposis 1. Last evaluated: 2018-01-03. Review status: no assertion criteria provided. Collection method: research. Allele origin: germline. Affected: yes and no. Observed: 4 heterozygotes. Clinical features observed: Classic familial adenomatous polyposis. Not counted in ClinVar's aggregate classification.
Comment: Carriers of this heterozygous deletion develop classic FAP at young age (18-24).

3DMed Clinical Laboratory Inc
Classification: Pathogenic for Carcinoma of colon. Last evaluated: 2017-10-25. Review status: no assertion criteria provided. Criteria: ACMG Guidelines, 2015. Collection method: clinical testing. Allele origin: germline. Affected: yes. Not counted in ClinVar's aggregate classification.

3DMed Clinical Laboratory Inc
Classification: Pathogenic for Adenocarcinoma of the colon. Last evaluated: 2017-10-25. Review status: no assertion criteria provided. Criteria: ACMG Guidelines, 2015. Collection method: clinical testing. Allele origin: germline. Affected: yes. Not counted in ClinVar's aggregate classification.

Genome Sciences Centre, British Columbia Cancer Agency
Classification: Oncogenic for Colorectal cancer. Last evaluated: 2016-07-11. Review status: no assertion criteria provided. Collection method: research. Allele origin: somatic. Affected: yes. Not counted in ClinVar's aggregate classification.

Counsyl
Classification: Pathogenic for Familial adenomatous polyposis 1. Last evaluated: 2016-04-28. Review status: no assertion criteria provided. Collection method: clinical testing. Allele origin: unknown. Not counted in ClinVar's aggregate classification.

Pathway Genomics
Classification: Pathogenic for Adenomatous polyposis coli. Last evaluated: 2014-07-24. Review status: no assertion criteria provided. Collection method: clinical testing. Allele origin: germline. Not counted in ClinVar's aggregate classification.

OMIM
Classification: Pathogenic for FAMILIAL ADENOMATOUS POLYPOSIS 1. Last evaluated: 1999-01-01. Review status: no assertion criteria provided. Collection method: literature only. Allele origin: unknown. Not counted in ClinVar's aggregate classification.

OMIM
Classification: Pathogenic for GARDNER SYNDROME. Last evaluated: 1999-01-01. Review status: no assertion criteria provided. Collection method: literature only. Allele origin: unknown. Not counted in ClinVar's aggregate classification.

OMIM
Classification: Pathogenic for ADENOMATOUS POLYPOSIS COLI WITH CONGENITAL CHOLESTEATOMA. Last evaluated: 1999-01-01. Review status: no assertion criteria provided. Collection method: literature only. Allele origin: unknown. Not counted in ClinVar's aggregate classification.

Clinical Genetics DNA and cytogenetics Diagnostics Lab, Erasmus MC, Erasmus Medical Center
Classification: Pathogenic. Review status: no assertion criteria provided. Collection method: clinical testing. Allele origin: germline. Affected: yes. Study: VKGL Data-share Consensus. Not counted in ClinVar's aggregate classification.

Department of Pathology and Laboratory Medicine, Sinai Health System
Classification: Pathogenic. Review status: no assertion criteria provided. Collection method: clinical testing. Allele origin: unknown. Affected: yes. Observed: 11 variant alleles. Study: The Canadian Open Genetics Repository (COGR). Not counted in ClinVar's aggregate classification.
Comment: The p.Glu1309AspfsX4 deletion variant has been previously reported numerous times in the literature. In a small selection of publications, the variant was reported in 45 of 996 proband chromosomes in individuals with familial adenomatous polyposis from various ethnic backgrounds (Polish, Czech, Greek, Norwegian, Chinese), and it was absent in the 202 control chromosomes evaluated (Andresen 2009, Sheng 2010, Schwarzova 2012, Plawski 2008, Fostira 2010). This deletion is one of the more frequent known mutations in the APC gene. Its frequency varies in FAP patients from 0% in southwest Spain, 2.4% in the Australian population, 5% in the Dutch population, 7% in the Israeli population, and up to 16% in Italian FAP patients (Plawski 2008). Notably, a particular severe phenotype, involving a higher number of polyps and an earlier onset of colorectal cancer, has been observed in patients carrying mutations at this codon (1309) of the APC gene (Fostira 2010). It is listed in the dbSNP database as coming from a "clinical source" (ID#: rs12193224) but no frequency information. It has also been observed in the UMD database (238X). This variant is predicted to cause a frameshift, which alters the protein's amino acid sequence beginning at codon 1309 and leads to a premature stop codon 4 codons downstream. This alteration is predicted to lead to a truncated or absent protein and loss of function. Loss of function of the APC gene is an established disease mechanism in FAP. In summary, based on the above information, this variant is classified as Pathogenic.

Diagnostic Laboratory, Department of Genetics, University Medical Center Groningen
Classification: Pathogenic. Review status: no assertion criteria provided. Collection method: clinical testing. Allele origin: germline. Affected: yes. Study: VKGL Data-share Consensus. Not counted in ClinVar's aggregate classification.

GeneReviews
No classification provided. Condition: Familial adenomatous polyposis 1. Review status: no classification provided. Collection method: literature only. Allele origin: germline. Not counted in ClinVar's aggregate classification.

Literature cited by the submitters: PubMed 1316610 (cited by 8 submitters); PubMed 20223039 (cited by 8 submitters); PubMed 23159591 (cited by 5 submitters); PubMed 24664542 (cited by 4 submitters); PubMed 15311282 (cited by Labcorp Genetics (formerly Invitae), Labcorp); PubMed 17293347 (cited by Labcorp Genetics (formerly Invitae), Labcorp); PubMed 9824584 (cited by Labcorp Genetics (formerly Invitae), Labcorp); PubMed 27081525 (cited by Labcorp Genetics (formerly Invitae), Labcorp); PubMed 8381579 (cited by Labcorp Genetics (formerly Invitae), Labcorp); PubMed 22135120 (cited by Labcorp Genetics (formerly Invitae), Labcorp); PubMed 20685668 (cited by 3 submitters); PubMed 23906606 (cited by Ambry Genetics and Sema4); PubMed 26422110 (cited by Ambry Genetics); PubMed 29406563 (cited by Ambry Genetics and Quest Diagnostics Nichols Institute San Juan Capistrano); PubMed 8162022 (cited by Ambry Genetics); PubMed 8187091 (cited by 3 submitters); PubMed 18199528 (cited by Center for Genomic Medicine, Rigshospitalet, Copenhagen University Hospital); PubMed 30092803 (cited by Quest Diagnostics Nichols Institute San Juan Capistrano); PubMed 33769591 (cited by Quest Diagnostics Nichols Institute San Juan Capistrano); PubMed 8395941 (cited by 3 submitters); PubMed 19029688 (cited by 4 submitters); PubMed 25317407 (cited by 4 submitters); PubMed 25980754 (cited by Quest Diagnostics Nichols Institute San Juan Capistrano and Counsyl); PubMed 23561487 (cited by Quest Diagnostics Nichols Institute San Juan Capistrano and Counsyl).